The following is an entry in ClinVar:

NM_003098.3(SNTA1):c.857C>G (p.Thr286Ser)

Gene: SNTA1 (syntrophin alpha 1; minus strand). Cytogenetic location: 20q11.21.
Variant type: single nucleotide variant.
Coding change: c.857C>G on transcript NM_003098.3 (MANE Select); coding-DNA position 857, C replaced by G.
Protein change: p.Thr286Ser; replaces threonine 286 with serine.
Molecular consequence: missense variant.
Genome position (GRCh38, 1-based): chr20:33,412,627, G>C on the plus strand (C>G on the coding strand, the complement: SNTA1 is on the minus strand). VCF-style: chr20-33412627-G-C. GRCh37 (hg19) VCF-style: chr20-32000433-G-C.
Other names: c.857C>G, p.Thr286Ser (NM_001424413.1, NM_001424414.1); short protein forms T286S.
Identifiers: ClinVar variation 3959299 (VCV003959299.1).

ClinVar aggregate classification (germline): Uncertain significance (1 of 4 stars; one submission).

Conditions:
Cardiovascular phenotype. Identifiers: MedGen CN230736.

Submission:

Ambry Genetics
Classification: Uncertain significance for Cardiovascular phenotype. Last evaluated: 2025-06-07. Review status: criteria provided, single submitter. Criteria: Ambry Variant Classification Scheme 2023. Collection method: clinical testing. Allele origin: germline.
Comment: The p.T286S variant (also known as c.857C>G), located in coding exon 4 of the SNTA1 gene, results from a C to G substitution at nucleotide position 857. The threonine at codon 286 is replaced by serine, an amino acid with similar properties. This amino acid position is conserved. In addition, this alteration is predicted to be tolerated by in silico analysis. Based on the available evidence, the clinical significance of this variant remains unclear.